The following is an entry in ClinVar:

NM_000277.3(PAH):c.837del (p.Glu280fs)

Gene: PAH (phenylalanine hydroxylase; minus strand). Cytogenetic location: 12q23.2.
Variant type: Deletion.
Coding change: c.837del on transcript NM_000277.3 (MANE Select); coding-DNA position 837, one base deleted (C; older notation c.837delC).
Protein change: p.Glu280fs; shifts the reading frame from glutamic acid 280.
Molecular consequence: frameshift variant.
Genome position (GRCh38, 1-based): chr12:102,852,820, G deleted on the plus strand (C on the coding strand, the reverse complement: PAH is on the minus strand); the first of 5 consecutive G bases (chr12:102,852,820-102,852,824); deleting any one gives the same sequence. VCF-style (leftmost placement, unchanged base first): chr12-102852819-CG-C. GRCh37 (hg19) VCF-style: chr12-103246597-CG-C.
Other names: c.837del, p.Glu280fs (NM_001354304.2); short protein forms E280fs.
Identifiers: ClinVar variation 120288 (VCV000120288.3), dbSNP rs281865429, ClinGen allele CA267677.

ClinVar aggregate classification (germline): Pathogenic. Review status: reviewed by expert panel (3 of 4 stars). 2 submissions from 2 submitters: Pathogenic (1). 1 of the submissions does not count toward it. Last evaluated 2019-07-14.

Conditions:
Phenylketonuria (PKU). Also called: Phenylketonuria (PKU); FOLLING DISEASE; OLIGOPHRENIA PHENYLPYRUVICA; Phenylketonurias. Identifiers: Orphanet 716, MedGen C0031485, MONDO:0009861, OMIM 261600. Disease mechanism: loss of function.

Submissions (2):

ClinGen PAH Variant Curation Expert Panel
Classification: Pathogenic for Phenylketonuria. Last evaluated: 2019-07-14. Review status: reviewed by expert panel. Criteria: ClinGen PAH ACMG Specifications v1. Collection method: curation. Allele origin: germline. Inheritance: Autosomal recessive inheritance.
Comment: The c.837del frameshift variant has been identified in at least 2 probands with classic PKU, BH4 deficiency not excluded (PMIDs: 10598814, 26666653). It has been detected in trans with pathogenic variants V388M (PMID: 10598814) and c.1315+1G>A (PMID: 26666653). This variant is absent from 1000G, Exac, and gnomAD databases. C.837delC generates a frameshift predicted to result in a premature stop codon 61 residues downstream in exon 10 and undergo NMD. In summary, this variant meets criteria to be classified as pathogenic for PAH. PAH-specific ACMG/AMP criteria applied: PVS1, PM3, PM2, PP4.

Inserm U 954, Faculté de Médecine de Nancy
Classification: Likely pathogenic for Phenylketonuria. Review status: no assertion criteria provided. Collection method: not provided. Allele origin: unknown. Not counted in ClinVar's aggregate classification.
ClinVar note: Converted during submission from probable-pathogenic to Likely pathogenic.

Literature cited by the submitters: PubMed 10598814 (cited by ClinGen PAH Variant Curation Expert Panel); PubMed 26666653 (cited by ClinGen PAH Variant Curation Expert Panel).